The following is an entry in ClinVar:

NM_022098.4(XPNPEP3):c.85C>T (p.Arg29Ter)

Gene: XPNPEP3 (X-prolyl aminopeptidase 3; plus strand). Cytogenetic location: 22q13.2.
Variant type: single nucleotide variant.
Coding change: c.85C>T on transcript NM_022098.4 (MANE Select); coding-DNA position 85, C replaced by T.
Protein change: p.Arg29Ter; replaces arginine 29 with a stop codon.
Molecular consequence: nonsense.
Genome position (GRCh38, 1-based): chr22:40,869,019, C>T. VCF-style: chr22-40869019-C-T. GRCh37 (hg19) VCF-style: chr22-41265023-C-T.
Other names: short protein forms R29*.
Identifiers: ClinVar variation 1415192 (VCV001415192.6), dbSNP rs373917063, ClinGen allele CA324509604.

ClinVar aggregate classification (germline): Pathogenic (1 of 4 stars; one submission).

Conditions:
Nephronophthisis-like nephropathy 1 (NPHPL1). Identifiers: Orphanet 655, MedGen C3150419, MONDO:0013163, OMIM 613159.

Allele frequency attached by ClinVar (database versions not stated): gnomAD exomes below 0.00001; TOPMed 0.00001; ESP Exome Variant Server 0.00008.

Submission:

Labcorp Genetics (formerly Invitae), Labcorp
Classification: Pathogenic for Nephronophthisis-like nephropathy 1. Last evaluated: 2022-07-26. Review status: criteria provided, single submitter. Criteria: Invitae Variant Classification Sherloc (09022015). Collection method: clinical testing. Allele origin: germline.
Comment: This variant has not been reported in the literature in individuals affected with XPNPEP3-related conditions. For these reasons, this variant has been classified as Pathogenic. ClinVar contains an entry for this variant (Variation ID: 1415192). This variant is present in population databases (rs373917063, gnomAD 0.003%). This sequence change creates a premature translational stop signal (p.Arg29*) in the XPNPEP3 gene. It is expected to result in an absent or disrupted protein product. Loss-of-function variants in XPNPEP3 are known to be pathogenic (PMID: 20179356).

Literature cited by the submitters: PubMed 20179356.